The following is an entry in ClinVar:

NM_007186.6(CEP250):c.6807A>T (p.Arg2269Ser)

Gene: CEP250 (centrosomal protein 250; plus strand). Cytogenetic location: 20q11.22.
Variant type: single nucleotide variant.
Coding change: c.6807A>T on transcript NM_007186.6 (MANE Select); coding-DNA position 6807, A replaced by T.
Protein change: p.Arg2269Ser; replaces arginine 2269 with serine.
Molecular consequence: missense variant.
Genome position (GRCh38, 1-based): chr20:35,508,091, A>T. VCF-style: chr20-35508091-A-T. GRCh37 (hg19) VCF-style: chr20-34095920-A-T.
Other names: c.4911A>T, p.Arg1637Ser (NM_001318219.1); short protein forms R1637S, R2269S.
Identifiers: ClinVar variation 1393175 (VCV001393175.6), dbSNP rs764501654, ClinGen allele CA9834157.

ClinVar aggregate classification (germline): Uncertain significance (1 of 4 stars; one submission).

Allele frequency attached by ClinVar (database versions not stated): TOPMed below 0.00001; gnomAD exomes 0.00001; ExAC 0.00002.
gnomAD v4.1: 6 of 1,614,164 alleles (0.00037%); highest among the groups gnomAD compares: Non-Finnish European, 0.00051%; no homozygotes.

Submission:

Labcorp Genetics (formerly Invitae), Labcorp
Classification: Uncertain significance. Last evaluated: 2021-01-19. Review status: criteria provided, single submitter. Criteria: Invitae Variant Classification Sherloc (09022015). Collection method: clinical testing. Allele origin: germline.
Comment: In summary, the available evidence is currently insufficient to determine the role of this variant in disease. Therefore, it has been classified as a Variant of Uncertain Significance. Algorithms developed to predict the effect of missense changes on protein structure and function are either unavailable or do not agree on the potential impact of this missense change (SIFT: "Not Available"; PolyPhen-2: "Benign"; Align-GVGD: "Not Available"). This variant has not been reported in the literature in individuals with CEP250-related conditions. This variant is present in population databases (rs764501654, ExAC 0.003%). This sequence change replaces arginine with serine at codon 2269 of the CEP250 protein (p.Arg2269Ser). The arginine residue is weakly conserved and there is a moderate physicochemical difference between arginine and serine.